The following is an entry in ClinVar:

ClinVar aggregate classification (germline): Pathogenic. Review status: reviewed by expert panel (3 of 4 stars). 52 submissions from 50 submitters: Pathogenic (1). 51 of the submissions do not count toward it. Last evaluated 2016-04-22.

Conditions:
BRCA2-related disorder. Also called: BRCA2-related condition; BRCA2-related disorders. Identifiers: MedGen CN239275.
Gastric cancer. Also called: Stomach cancer; Malignant tumor of stomach. Identifiers: MedGen C0024623, MeSH D013274, MONDO:0001056, OMIM 613659, HP:0012126.
Breast and/or ovarian cancer. Identifiers: MedGen CN221562.
Malignant lymphoma, large B-cell, diffuse. Also called: Diffuse large B cell lymphoma. Identifiers: Orphanet 544, MedGen C0079744, MeSH D016403, MONDO:0018905.
BRCA2-related cancer predisposition. Identifiers: MedGen CN377758, MONDO:0700269.
Inherited breast cancer and ovarian cancer.
Hereditary cancer-predisposing syndrome. Also called: Tumor predisposition; Neoplastic Syndromes, Hereditary; Hereditary Cancer Syndrome; Hereditary neoplastic syndrome. Identifiers: Orphanet 140162, MedGen C0027672, MeSH D009386, MONDO:0015356.
Familial cancer of breast. Also called: Hereditary breast cancer; hereditary breast carcinoma; BREAST CANCER, FAMILIAL. Identifiers: Orphanet 227535, MedGen C0346153, MONDO:0016419, OMIM 114480. Disease mechanism: loss of function.
Breast-ovarian cancer, familial, susceptibility to, 2 (BROVCA2). Also called: BRCA2 Hereditary Breast and Ovarian Cancer. Identifiers: Orphanet 145, MedGen C2675520, MONDO:0012933, OMIM 612555. Disease mechanism: loss of function.
Ovarian neoplasm. Also called: Ovarian tumor; Neoplasm of ovary; Ovarian Neoplasms. Identifiers: MedGen C0919267, MeSH D010051, MONDO:0021068, HP:0100615.
Hereditary breast ovarian cancer syndrome. Also called: Hereditary breast and ovarian cancer syndrome (HBOC); Hereditary breast and ovarian cancer syndrome; Hereditary breast and ovarian cancer; Hereditary breast and/or ovarian cancer syndrome; Breast and ovarian cancer; BRCA1- and BRCA2-Associated Hereditary Breast and Ovarian Cancer. Identifiers: Orphanet 145, MedGen C0677776, MeSH D061325, MONDO:0003582. Disease mechanism: loss of function.
Breast-ovarian cancer, familial, susceptibility to, 1 (BROVCA1). Also called: OVARIAN CANCER, SUSCEPTIBILITY TO; BRCA1 Hereditary Breast and Ovarian Cancer. Identifiers: Orphanet 145, MedGen C2676676, MONDO:0011450, OMIM 604370. Disease mechanism: loss of function.
Breast carcinoma. Also called: Carcinoma of breast. Identifiers: MedGen C0678222, MONDO:0004989, HP:0003002.
Malignant tumor of breast. Also called: Malignant breast neoplasm; Cancer breast. Identifiers: MedGen C0006142, MONDO:0007254. Disease mechanism: loss of function.

Submissions 1 to 7 of 52:

Evidence-based Network for the Interpretation of Germline Mutant Alleles (ENIGMA)
Classification: Pathogenic for Breast-ovarian cancer, familial, susceptibility to, 2. Last evaluated: 2016-04-22. Review status: reviewed by expert panel. Criteria: ENIGMA BRCA1/2 Classification Criteria (2015). Collection method: curation. Allele origin: germline.
Comment: Variant allele predicted to encode a truncated non-functional protein.

PreventionGenetics, part of Exact Sciences
Classification: Pathogenic for BRCA2-related condition. Last evaluated: 2026-03-25. Review status: criteria provided, single submitter. Criteria: ACMG Guidelines, 2015. Collection method: clinical testing. Allele origin: germline. Not counted in ClinVar's aggregate classification.
Comment: The BRCA2 c.9097dupA variant is predicted to result in a frameshift and premature protein termination (p.Thr3033Asnfs*11). This variant (also designated c.9097_9098insA, 9325insA, and 9317insA in the literature) is considered a recurrent founder variant in the Chinese population (Kwong et al. 2012. PubMed ID: 22970155). It has been reported in individuals with a history of breast, ovarian, and pancreatic cancers (Serova-Sinilnikova et al. 1997. PubMed ID: 9150172; Kwong et al. 2012. PubMed ID: 22970155; Meisel et al. 2017. PubMed ID: 28324225; Zhao et al. 2017. PubMed ID: 28541631; Holter et al. 2015. PubMed ID: 25940717). In the compound heterozygous state, this variant has also been associated with Fanconi Anemia (Kopic et al. 2011. PubMed ID: 21138478). This variant is reported in 3 of ~246,000 alleles in gnomAD, but the quality of this data is questionable and should be treated with caution (gnomAD). Frameshift variants in BRCA2 are expected to be pathogenic. It is interpreted as pathogenic in ClinVar (Variation ID: 38208). This variant is interpreted as pathogenic.

Labcorp Genetics (formerly Invitae), Labcorp
Classification: Pathogenic for Hereditary breast ovarian cancer syndrome. Last evaluated: 2026-01-31. Review status: criteria provided, single submitter. Criteria: Invitae Variant Classification Sherloc (09022015). Collection method: clinical testing. Allele origin: germline. Not counted in ClinVar's aggregate classification.
Comment: This sequence change creates a premature translational stop signal (p.Thr3033Asnfs*11) in the BRCA2 gene. It is expected to result in an absent or disrupted protein product. Loss-of-function variants in BRCA2 are known to be pathogenic (PMID: 20104584). The frequency data for this variant in the population databases is considered unreliable, as metrics indicate poor data quality at this position in the gnomAD database. This premature translational stop signal has been observed in individual(s) with breast and ovarian cancer, pancreatic cancer, and Fanconi anemia (PMID: 9150172, 21138478, 22970155, 25940717). This variant is also known as c.9097_9098insA, 9325insA and 9317insA. ClinVar contains an entry for this variant (Variation ID: 38208). RNA analysis performed to evaluate the impact of this premature translational stop signal on mRNA splicing indicates it does not significantly alter splicing (internal data). For these reasons, this variant has been classified as Pathogenic.

Institute of Human Genetics, University of Leipzig Medical Center
Classification: Pathogenic for Breast-ovarian cancer, familial, susceptibility to, 2. Last evaluated: 2025-12-19. Review status: criteria provided, single submitter. Criteria: ACMG Guidelines, 2015. Collection method: clinical testing. Allele origin: maternal. Inheritance: Autosomal dominant inheritance. Affected: yes. Not counted in ClinVar's aggregate classification.
Comment: Criteria applied: PVS1,PM5_STR,PM3_SUP

Institute of Human Genetics, FAU Erlangen, Friedrich-Alexander-Universität Erlangen-Nürnberg
Classification: Pathogenic. Last evaluated: 2025-10-16. Review status: criteria provided, single submitter. Criteria: Hauer et al. (Genet Med. 2018). Collection method: clinical testing. Allele origin: germline. Inheritance: Unknown mechanism. Affected: yes. Observed: 1 variant allele. Not counted in ClinVar's aggregate classification.
Comment: This variant has been identified by standard clinical testing. Selected ACMG criteria: Pathogenic (I):PP5;PM2;PVS1

GeneKor MSA
Classification: Pathogenic for Hereditary breast ovarian cancer syndrome. Last evaluated: 2025-06-25. Review status: criteria provided, single submitter. Criteria: ACMG Guidelines, 2015. Collection method: clinical testing. Allele origin: germline. Not counted in ClinVar's aggregate classification.
Comment: This sequence change inserts 1 nucleotide in exon 23 of the BRCA2 mRNA c.(9097dupA), causing a frameshift after codon 3033. This creates a premature translational stop signal 11 amino acid residues later and is expected to result in an absent or disrupted protein product, p.(Thr3033Asnfs*11). This variant is present in population databases (rs397507419). This variant has been reported in the published literature in individuals with breast, ovarian, pancreatic and in individual with Fanconi Anemia (PMID:22970155 , 9150172, 25940717 , 21138478). The mutation database ClinVar contains entries for this variant where it is listed as pathogenic (VCV000038208.86). Truncating variants in BRCA2 are known to be pathogenic (PMID:20104584). Based on the classification criteria set by the ACMG and AMP (PMID:25741868) this variant has been classified as pathogenic.

Cambridge Genomics Laboratory, East Genomic Laboratory Hub, NHS Genomic Medicine Service
Classification: Pathogenic for Inherited breast cancer and ovarian cancer. Last evaluated: 2025-06-06. Review status: criteria provided, single submitter. Criteria: ACGS Best Practice Guidelines for Variant Classification in Rare Disease 2020. Collection method: clinical testing. Allele origin: germline. Affected: yes. Not counted in ClinVar's aggregate classification.
Comment: PVS1,PS4_Very Strong,PM2_Supporting,PM3_Supporting,PM5_Strong

NM_000059.4(BRCA2):c.9097dup (p.Thr3033fs)

Gene: BRCA2 (BRCA2 DNA repair associated; plus strand). Cytogenetic location: 13q13.1.
Variant type: Duplication.
Coding change: c.9097dup on transcript NM_000059.4 (MANE Select); coding-DNA position 9097, one base duplicated (A; older notation c.9097dupA).
Protein change: p.Thr3033fs; shifts the reading frame from threonine 3033.
Molecular consequence: frameshift variant.
Genome position (GRCh38, 1-based): chr13:32,379,893, A duplicated; the last of 8 consecutive A bases (chr13:32,379,886-32,379,893); duplicating any one gives the same sequence. VCF-style (leftmost placement, unchanged base first): chr13-32379885-C-CA. GRCh37 (hg19) VCF-style: chr13-32954022-C-CA.
Other names: 9325_9326insA; p.Thr3033AsnfsX11; 9325insA; c.9097dupA (NM_000059.3); c.9090dupA (NM_000059.3); short protein forms T3033fs.
Identifiers: ClinVar variation 38208 (VCV000038208.96), dbSNP rs397507419, ClinGen allele CA025970.